The following is an entry in ClinVar:

NM_001005242.3(PKP2):c.2320G>A (p.Gly774Ser)

Gene: PKP2 (plakophilin 2; minus strand). Cytogenetic location: 12p11.21.
Variant type: single nucleotide variant.
Coding change: c.2320G>A on transcript NM_001005242.3 (MANE Select); coding-DNA position 2320, G replaced by A.
Protein change: p.Gly774Ser; replaces glycine 774 with serine.
Molecular consequence: missense variant.
Genome position (GRCh38, 1-based): chr12:32,796,146, C>T on the plus strand (G>A on the coding strand, the complement: PKP2 is on the minus strand). VCF-style: chr12-32796146-C-T. GRCh37 (hg19) VCF-style: chr12-32949080-C-T.
Other names: c.2452G>A, p.Gly818Ser (NM_004572.4); short protein forms G774S, G818S.
Identifiers: ClinVar variation 643226 (VCV000643226.12), dbSNP rs1592726250, ClinGen allele CA384357603.

ClinVar aggregate classification (germline): Uncertain significance. Review status: criteria provided, multiple submitters, no conflicts (2 of 4 stars). 4 submissions from 4 submitters: Uncertain significance (4). Last evaluated 2024-03-05.

Conditions:
Cardiomyopathy (CMYO). Also called: Cardiomyopathies. Identifiers: Orphanet 167848, MedGen C0878544, MONDO:0004994, HP:0001638. Inheritance: Various modes of inheritance.
Arrhythmogenic right ventricular dysplasia 9 (ARVD9). Also called: Arrhythmogenic Right Ventricular Dysplasia/Cardiomyopathy 9; ARRHYTHMOGENIC RIGHT VENTRICULAR DYSPLASIA, FAMILIAL, 9. Identifiers: MedGen C1836906, MONDO:0012180, OMIM 609040.
Arrhythmogenic right ventricular cardiomyopathy (ARVD). Also called: Arrhythmogenic cardiomyopathy; Cardiomyopathy, ARVC; Arrhythmogenic right ventricular dysplasia; Arrhythmogenic Right Ventricular Cardiomyopathy (ARVC). Identifiers: Orphanet 247, MedGen C0349788, MeSH D019571, MONDO:0016587. Disease mechanism: loss of function. Inheritance: Various modes of inheritance.

Allele frequency attached by ClinVar (database versions not stated): TOPMed below 0.00001; gnomAD exomes 0.00001.
gnomAD v4.1: 9 of 1,614,028 alleles (0.00056%); highest among the groups gnomAD compares: East Asian, 0.018%; no homozygotes.

Submissions (4):

All of Us Research Program, National Institutes of Health
Classification: Uncertain significance for Arrhythmogenic right ventricular cardiomyopathy. Last evaluated: 2024-03-05. Review status: criteria provided, single submitter. Criteria: ACMG Guidelines, 2015. Collection method: clinical testing. Allele origin: germline. Inheritance: Autosomal dominant inheritance. Observed: 2 variant alleles, 2 heterozygotes.
Comment: This missense variant replaces glycine with serine at codon 818 of the PKP2 protein. Computational prediction tools and conservation analyses are inconclusive regarding the impact of this variant on the protein function. Computational splicing tools suggest that this variant may not impact RNA splicing. To our knowledge, functional assays have not been performed for this variant nor has this variant been reported in individuals affected with cardiovascular disorders in the literature. This variant has not been identified in the general population by the Genome Aggregation Database (gnomAD). Available evidence is insufficient to determine the role of this variant in disease conclusively. Therefore, this variant is classified as a Variant of Uncertain Significance.

This study involves interpretation of variants in research participants for the purpose of population health screening. Participant phenotype was not available at the time of variant classification. Additional details can be found in publication PMID: 35346344, PMCID: PMC8962531

Labcorp Genetics (formerly Invitae), Labcorp
Classification: Uncertain significance for Arrhythmogenic right ventricular dysplasia 9. Last evaluated: 2021-08-28. Review status: criteria provided, single submitter. Criteria: Invitae Variant Classification Sherloc (09022015). Collection method: clinical testing. Allele origin: germline.
Comment: This sequence change replaces glycine with serine at codon 818 of the PKP2 protein (p.Gly818Ser). The glycine residue is highly conserved and there is a small physicochemical difference between glycine and serine. This variant is not present in population databases (ExAC no frequency). This variant has not been reported in the literature in individuals affected with PKP2-related conditions. Algorithms developed to predict the effect of missense changes on protein structure and function are either unavailable or do not agree on the potential impact of this missense change (SIFT: "Tolerated"; PolyPhen-2: "Probably Damaging"; Align-GVGD: "Class C0"). In summary, the available evidence is currently insufficient to determine the role of this variant in disease. Therefore, it has been classified as a Variant of Uncertain Significance.

Color Diagnostics, LLC DBA Color Health
Classification: Uncertain significance for Cardiomyopathy. Last evaluated: 2019-08-11. Review status: criteria provided, single submitter. Criteria: ACMG Guidelines, 2015. Collection method: clinical testing. Allele origin: germline.
Comment: This missense variant replaces glycine with serine at codon 818 of the PKP2 protein. Computational prediction tools and conservation analyses are inconclusive regarding the impact of this variant on the protein function. Computational splicing tools suggest that this variant may not impact RNA splicing. To our knowledge, functional assays have not been performed for this variant nor has this variant been reported in individuals affected with cardiovascular disorders in the literature. This variant has not been identified in the general population by the Genome Aggregation Database (gnomAD). Available evidence is insufficient to determine the role of this variant in disease conclusively. Therefore, this variant is classified as a Variant of Uncertain Significance.

GeneDx
Classification: Uncertain significance. Last evaluated: 2019-05-13. Review status: criteria provided, single submitter. Criteria: GeneDx Variant Classification Process June 2021. Collection method: clinical testing. Allele origin: germline. Affected: yes.
Comment: Has not been previously published as pathogenic or benign to our knowledge; Not observed in large population cohorts (Lek et al., 2016); In silico analysis, which includes protein predictors and evolutionary conservation, supports a deleterious effect